The following is an entry in ClinVar:

ClinVar aggregate classification (germline): Uncertain significance (1 of 4 stars; one submission).

Conditions:
Hereditary pheochromocytoma and paraganglioma. Also called: Hereditary pheochromocytoma-paraganglioma; Hereditary Paraganglioma-Pheochromocytoma Syndromes; Hereditary paragangliomas and pheochromocytomas. Identifiers: Orphanet 29072, MedGen C4274332, MONDO:0017366.

Submission:

Labcorp Genetics (formerly Invitae), Labcorp
Classification: Uncertain significance for Hereditary pheochromocytoma and paraganglioma. Last evaluated: 2025-01-30. Review status: criteria provided, single submitter. Criteria: Invitae Variant Classification Sherloc (09022015). Collection method: clinical testing. Allele origin: germline.
Comment: This sequence change replaces serine, which is neutral and polar, with glycine, which is neutral and non-polar, at codon 160 of the MAX protein (p.Ser160Gly). This variant is not present in population databases (gnomAD no frequency). This variant has not been reported in the literature in individuals affected with MAX-related conditions. An algorithm developed to predict the effect of missense changes on protein structure and function (PolyPhen-2) suggests that this variant is likely to be tolerated. In summary, the available evidence is currently insufficient to determine the role of this variant in disease. Therefore, it has been classified as a Variant of Uncertain Significance.

NM_002382.5(MAX):c.478A>G (p.Ser160Gly)

Gene: MAX (MYC associated transcriptional regulator X; minus strand). Cytogenetic location: 14q23.3.
Variant type: single nucleotide variant.
Coding change: c.478A>G on transcript NM_002382.5 (MANE Select); coding-DNA position 478, A replaced by G.
Protein change: p.Ser160Gly; replaces serine 160 with glycine.
Molecular consequence: missense variant. On other transcripts: 3 prime UTR variant (12), non-coding transcript variant (7), intron variant (2).
Genome position (GRCh38, 1-based): chr14:65,076,481, T>C on the plus strand (A>G on the coding strand, the complement: MAX is on the minus strand). VCF-style: chr14-65076481-T-C. GRCh37 (hg19) VCF-style: chr14-65543199-T-C.
Other names: c.289A>G, p.Ser97Gly (NM_001320415.2, NM_001407105.1, NM_001407106.1 and 1 more transcripts); c.478A>G, p.Ser160Gly (NM_001407094.1); c.451A>G, p.Ser151Gly (NM_001407095.1, NM_145112.3); c.*251A>G (NM_001407096.1, NM_001407099.1, NM_001407102.1 and 2 more transcripts); c.*267A>G (NM_001407097.1, NM_001407100.1, NM_001407101.1 and 4 more transcripts); c.370A>G, p.Ser124Gly (NM_001407098.1); c.277A>G, p.Ser93Gly (NM_001407111.1, NM_001407112.1); c.144+17227A>G (NM_001271069.2); and 1 more; short protein forms S124G, S160G, S97G, S151G, S93G.
Identifiers: ClinVar variation 4712063 (VCV004712063.1).